The following is an entry in ClinVar:

NC_000002.11:g.(?_179534935)_(179669369_?)del

Gene: TTN (titin; minus strand). Cytogenetic location: 2q31.2.
Variant type: Deletion.
Identifiers: ClinVar variation 999347 (VCV000999347.2).

ClinVar aggregate classification (germline): Uncertain significance (1 of 4 stars; one submission).

Conditions:
Dilated cardiomyopathy 1G (CMD1G). Identifiers: Orphanet 154, MedGen C1858763, MONDO:0011400, OMIM 604145.
Autosomal recessive limb-girdle muscular dystrophy type 2J (LGMDR10). Also called: Limb-girdle muscular dystrophy, type 2J; MUSCULAR DYSTROPHY, LIMB-GIRDLE, AUTOSOMAL RECESSIVE 10. Identifiers: Orphanet 140922, MedGen C1837342, MONDO:0012127, OMIM 608807.

Submission:

Labcorp Genetics (formerly Invitae), Labcorp
Classification: Uncertain significance for Dilated cardiomyopathy 1G; Autosomal recessive limb-girdle muscular dystrophy type 2J. Last evaluated: 2021-09-09. Review status: criteria provided, single submitter. Criteria: Invitae Variant Classification Sherloc (09022015). Collection method: clinical testing. Allele origin: germline.
Comment: This variant is a gross deletion of the genomic region encompassing exon(s) 2-157 of the TTN gene, which includes the initiator codon. This deletion extends beyond the assayed region for this gene and therefore may encompass additional genes. It is expected to result in an absent or disrupted protein product. However, the current clinical and genetic evidence is not sufficient to establish whether loss-of-function variants in TTN cause disease. This variant has not been reported in the literature in individuals affected with TTN-related conditions. In summary, the available evidence is currently insufficient to determine the role of this variant in disease. Therefore, it has been classified as a Variant of Uncertain Significance.